The following is an entry in ClinVar:

ClinVar aggregate classification (germline): Uncertain significance. Review status: criteria provided, multiple submitters, no conflicts (2 of 4 stars). 2 submissions from 2 submitters: Uncertain significance (2). Last evaluated 2024-05-21.

Allele frequency attached by ClinVar (database versions not stated): gnomAD 0.00036; ExAC 0.00023; TOPMed 0.00033; ESP Exome Variant Server 0.00038.
gnomAD v4.1: 662 of 1,611,910 alleles (0.041%); highest among the groups gnomAD compares: Non-Finnish European, 0.053%; no homozygotes.

Submissions (3):

Ambry Genetics
Classification: Uncertain significance. Last evaluated: 2024-05-21. Review status: criteria provided, single submitter. Criteria: Ambry Variant Classification Scheme 2023. Collection method: clinical testing. Allele origin: germline.

GeneDx
Classification: Uncertain significance. Last evaluated: 2023-06-01. Review status: criteria provided, single submitter. Criteria: GeneDx Variant Classification Process June 2021. Collection method: clinical testing. Allele origin: germline. Affected: yes.
Comment: In silico analysis supports that this missense variant does not alter protein structure/function; Has not been previously published as pathogenic or benign to our knowledge

Dr. Peter K. Rogan Lab, Western University
No classification provided (evidence only). Condition: Hepatocellular carcinoma. Review status: no classification provided. Collection method: in vitro. Allele origin: not applicable. Functional consequence: retained intron. Not counted in ClinVar's aggregate classification.

NM_001004320.2(AGMO):c.637C>G (p.Leu213Val)

Gene: AGMO (alkylglycerol monooxygenase; minus strand). Cytogenetic location: 7p21.2.
Variant type: single nucleotide variant.
Coding change: c.637C>G on transcript NM_001004320.2 (MANE Select); coding-DNA position 637, C replaced by G.
Protein change: p.Leu213Val; replaces leucine 213 with valine.
Molecular consequence: missense variant.
Genome position (GRCh38, 1-based): chr7:15,394,152, G>C on the plus strand (C>G on the coding strand, the complement: AGMO is on the minus strand). VCF-style: chr7-15394152-G-C. GRCh37 (hg19) VCF-style: chr7-15433777-G-C.
Other names: NC_000007.13:g.15433777G>C; short protein forms L213V.
Identifiers: ClinVar variation 3096134 (VCV003096134.4), dbSNP rs142034204, ClinGen allele CA4168695.